The following is an entry in ClinVar:

ClinVar aggregate classification (germline): Pathogenic/Likely pathogenic. Review status: criteria provided, multiple submitters, no conflicts (2 of 4 stars). 4 submissions from 4 submitters: Pathogenic (1); Likely pathogenic (2). 1 of the submissions does not count toward it. Last evaluated 2024-09-12.

Conditions:
Renal tubular dysgenesis. Also called: Renotubular dysgenesis. Identifiers: Orphanet 3033, MedGen C0266313, MONDO:0017609, HP:0008660.
Renal tubular dysgenesis of genetic origin. Also called: PRIMITIVE RENAL TUBULE SYNDROME. Identifiers: Orphanet 97369, MedGen C5681536, MONDO:0009970, OMIM 267430.
Microvascular complications of diabetes, susceptibility to, 3. Identifiers: MedGen C2675470, MONDO:0012963, OMIM 612624.
Hemorrhage, intracerebral, susceptibility to (ICH). Also called: Stroke, hemorrhagic, susceptibility to. Identifiers: MedGen C3281105, MONDO:0100533, OMIM 614519.

Allele frequency attached by ClinVar (database versions not stated): ExAC 0.00002.

Submissions (4):

Dasa
Classification: Likely pathogenic. Last evaluated: 2024-09-12. Review status: criteria provided, single submitter. Criteria: DASA Assertion Criteria. Collection method: clinical testing. Allele origin: germline.
Comment: NM_000789.4(ACE):c.798C>G (p.Tyr266*) is a nonsense variant in ACE predicted to introduce a premature termination codon and is predicted to result in an absent or altered protein product. Loss of function is an established disease mechanism for ACE-associated disorders. Also, this variant is rare in population databases. Based on the currently available evidence, this variant is classified as likely pathogenic.

Labcorp Genetics (formerly Invitae), Labcorp
Classification: Pathogenic. Last evaluated: 2024-02-14. Review status: criteria provided, single submitter. Criteria: Invitae Variant Classification Sherloc (09022015). Collection method: clinical testing. Allele origin: germline.
Comment: This sequence change creates a premature translational stop signal (p.Tyr266*) in the ACE gene. It is expected to result in an absent or disrupted protein product. Loss-of-function variants in ACE are known to be pathogenic (PMID: 22095942). This variant is present in population databases (rs121912704, gnomAD 0.005%). This premature translational stop signal has been observed in individual(s) with renal tubular dysgenesis (PMID: 16116425). ClinVar contains an entry for this variant (Variation ID: 18063). For these reasons, this variant has been classified as Pathogenic.

Fulgent Genetics
Classification: Likely pathogenic for Renal tubular dysgenesis of genetic origin; Microvascular complications of diabetes, susceptibility to, 3; Hemorrhage, intracerebral, susceptibility to. Last evaluated: 2024-01-29. Review status: criteria provided, single submitter. Criteria: ACMG Guidelines, 2015. Collection method: clinical testing. Allele origin: germline.

OMIM
Classification: Pathogenic for RENAL TUBULAR DYSGENESIS. Last evaluated: 2005-09-01. Review status: no assertion criteria provided. Collection method: literature only. Allele origin: germline. Not counted in ClinVar's aggregate classification.

Literature cited by the submitters: PubMed 22095942 (cited by Labcorp Genetics (formerly Invitae), Labcorp); PubMed 16116425 (cited by Labcorp Genetics (formerly Invitae), Labcorp and OMIM).

NM_000789.4(ACE):c.798C>G (p.Tyr266Ter)

Gene: ACE (angiotensin I converting enzyme; plus strand). Cytogenetic location: 17q23.3.
Variant type: single nucleotide variant.
Coding change: c.798C>G on transcript NM_000789.4 (MANE Select); coding-DNA position 798, C replaced by G.
Protein change: p.Tyr266Ter; replaces tyrosine 266 with a stop codon.
Molecular consequence: nonsense.
Genome position (GRCh38, 1-based): chr17:63,480,479, C>G. VCF-style: chr17-63480479-C-G. GRCh37 (hg19) VCF-style: chr17-61557840-C-G.
Other names: short protein forms Y266*.
Identifiers: ClinVar variation 18063 (VCV000018063.6), dbSNP rs121912704, ClinGen allele CA127777.
Genomic context (GRCh38, chr17:63,480,479, plus strand): 5'-GCTAGAGCCCCTCTACCTGAACCTCCATGCCTTCGTCCGCCGCGCACTGCATCGCCGATA[C>G]GGAGACAGATACATCAACCTCAGGGGACCCATCCCTGCTCATCTGCTGGGTAAGGACCTG-3'